The following is an entry in ClinVar:

ClinVar aggregate classification (germline): Uncertain significance. Review status: criteria provided, multiple submitters, no conflicts (2 of 4 stars). 5 submissions from 5 submitters: Uncertain significance (5). Last evaluated 2026-07-27.

Conditions:
OTOGL-related disorder. Also called: OTOGL-related condition.
Inborn genetic diseases. Identifiers: MedGen C0950123, MeSH D030342.

Allele frequency attached by ClinVar (database versions not stated): TOPMed 0.00051; 1000 Genomes Project 30x 0.00062; 1000 Genomes Project 0.00080; gnomAD exomes 0.00008; ESP Exome Variant Server 0.00025; ExAC 0.00028; gnomAD 0.00046 and 0.00049.
gnomAD v4.1: 124 of 1,569,584 alleles (0.0079%); highest among the groups gnomAD compares: African/African-American, 0.15%; no homozygotes.

Submissions (5):

PreventionGenetics, part of Exact Sciences
Classification: Uncertain significance for OTOGL-related condition. Last evaluated: 2026-07-27. Review status: criteria provided, single submitter. Criteria: ACMG Guidelines, 2015. Collection method: clinical testing. Allele origin: germline.
Comment: The OTOGL c.97G>A variant is predicted to result in the amino acid substitution p.Gly33Arg. To our knowledge, this variant has not been reported in the literature. This variant is reported in 0.13% of alleles in individuals of African descent in gnomAD. Although we suspect that this variant may be benign, at this time, the clinical significance of this variant is uncertain due to the absence of conclusive functional and genetic evidence.

Labcorp Genetics (formerly Invitae), Labcorp
Classification: Uncertain significance. Last evaluated: 2025-08-13. Review status: criteria provided, single submitter. Criteria: Invitae Variant Classification Sherloc (09022015). Collection method: clinical testing. Allele origin: germline.
Comment: This sequence change replaces glycine, which is neutral and non-polar, with arginine, which is basic and polar, at codon 33 of the OTOGL protein (p.Gly33Arg). This variant is present in population databases (rs149117887, gnomAD 0.1%). This variant has not been reported in the literature in individuals affected with OTOGL-related conditions. ClinVar contains an entry for this variant (Variation ID: 1211910). An algorithm developed to predict the effect of missense changes on protein structure and function outputs the following: PolyPhen-2: "Benign". The arginine amino acid residue is found in multiple mammalian species, which suggests that this missense change does not adversely affect protein function. In summary, the available evidence is currently insufficient to determine the role of this variant in disease. Therefore, it has been classified as a Variant of Uncertain Significance.

Ambry Genetics
Classification: Uncertain significance for Inborn genetic diseases. Last evaluated: 2025-08-07. Review status: criteria provided, single submitter. Criteria: Ambry Variant Classification Scheme 2023. Collection method: clinical testing. Allele origin: germline.

GeneDx
Classification: Uncertain significance. Last evaluated: 2025-03-16. Review status: criteria provided, single submitter. Criteria: GeneDx Variant Classification Process June 2021. Collection method: clinical testing. Allele origin: germline. Affected: yes.
Comment: In silico analysis supports a deleterious effect on splicing; In silico analysis indicates that this missense variant does not alter protein structure/function; Has not been previously published as pathogenic or benign to our knowledge

Blueprint Genetics
Classification: Uncertain significance. Last evaluated: 2024-09-04. Review status: criteria provided, single submitter. Criteria: ACMG Guidelines, 2015. Collection method: clinical testing. Allele origin: germline.

NM_001378609.3(OTOGL):c.124G>A (p.Gly42Arg)

Gene: OTOGL (otogelin like; plus strand). Cytogenetic location: 12q21.31.
Variant type: single nucleotide variant.
Coding change: c.124G>A on transcript NM_001378609.3 (MANE Select); coding-DNA position 124, G replaced by A.
Protein change: p.Gly42Arg; replaces glycine 42 with arginine.
Molecular consequence: missense variant.
Genome position (GRCh38, 1-based): chr12:80,211,953, G>A. VCF-style: chr12-80211953-G-A. GRCh37 (hg19) VCF-style: chr12-80605733-G-A.
Other names: c.124G>A, p.Gly42Arg (NM_001368062.3, NM_001378610.3, NM_173591.7); short protein forms G42R.
Identifiers: ClinVar variation 1211910 (VCV001211910.11), dbSNP rs149117887, ClinGen allele CA6700066.
Genomic context (GRCh38, chr12:80,211,953, plus strand): 5'-TTGTTCAGGTTGCCTAGGGGCCTTTGACTGTACAAGTTCTTTTTGTTTTCTTCCAGAAAC[G>A]GGTTTAATGAAAATCGACAGAAAAGAGCTCTTTTAGCAGCACAGGTAGGTTATGCTTCAG-3'
Protein context (NP_001365538.2, residues 32-52): SSILMGTSKN[Gly42Arg]FNENRQKRAL